The following is an entry in ClinVar:

NM_000018.4(ACADVL):c.1612del (p.Arg538fs)

Gene: ACADVL (acyl-CoA dehydrogenase very long chain; plus strand). Cytogenetic location: 17p13.1.
Variant type: Deletion.
Coding change: c.1612del on transcript NM_000018.4 (MANE Select); coding-DNA position 1612, one base deleted (C; older notation c.1612delC).
Protein change: p.Arg538fs; shifts the reading frame from arginine 538.
Molecular consequence: frameshift variant.
Genome position (GRCh38, 1-based): chr17:7,224,486, C deleted. VCF-style (leftmost placement, unchanged base first): chr17-7224485-AC-A. GRCh37 (hg19) VCF-style: chr17-7127804-AC-A.
Other names: c.1384del, p.Arg462fs (NM_001270448.2); c.1546del, p.Arg516fs (NM_001033859.3); c.1681del, p.Arg561fs (NM_001270447.2); short protein forms R462fs, R538fs, R561fs, R516fs.
Identifiers: ClinVar variation 451181 (VCV000451181.3), dbSNP rs1555528937, ClinGen allele CA658658534.
Genomic context (GRCh38, chr17:7,224,485, plus strand): 5'-TCAGGGACTGCAGCCGATGGCCCCTCTGAGCCCCGCACTGTCCCCATCTCTTAAGGCAGT[AC>A]GGGCTCTGGAGCAGTTTGCCACTGTGGTGGAGGCCAAGCTGATAAAACACAAGAAGGGGA-3'

ClinVar aggregate classification (germline): Likely pathogenic. Review status: criteria provided, multiple submitters, no conflicts (2 of 4 stars). 2 submissions from 2 submitters: Likely pathogenic (2). Last evaluated 2023-02-04.

Conditions:
Very long chain acyl-CoA dehydrogenase deficiency (ACADVLD). Also called: Very Long-Chain Acyl-Coenzyme A Dehydrogenase Deficiency; VLCAD Deficiency. Identifiers: Orphanet 26793, MedGen C3887523, MONDO:0008723, OMIM 201475.

Submissions (2):

Baylor Genetics
Classification: Likely pathogenic for Very long chain acyl-CoA dehydrogenase deficiency. Last evaluated: 2023-02-04. Review status: criteria provided, single submitter. Criteria: ACMG Guidelines, 2015. Collection method: clinical testing. Allele origin: unknown.

GeneDx
Classification: Likely pathogenic. Last evaluated: 2017-08-07. Review status: criteria provided, single submitter. Criteria: GeneDx Variant Classification (06012015). Collection method: clinical testing. Allele origin: germline. Affected: yes.
Comment: The c.1612delC variant in the ACADVL gene has not been reported previously as a pathogenic variant nor as a benign variant, to our knowledge. The c.1612delC variant causes a frameshift starting with codon Arginine 538, changes this amino acid to a Glycine residue, and creates a premature Stop codon at position 14 of the new reading frame, denoted p.Arg538GlyfsX14. This variant is predicted to cause loss of normal protein function either through protein truncation or nonsense-mediated mRNA decay. The c.1612delC variant is not observed in large population cohorts (Lek et al., 2016; 1000 Genomes Consortium et al., 2015; Exome Variant Server). We interpret c.1612delC as a likely pathogenic variant.